The following is an entry in ClinVar:

ClinVar aggregate classification (germline): Uncertain significance. Review status: criteria provided, multiple submitters, no conflicts (2 of 4 stars). 2 submissions from 2 submitters: Uncertain significance (2). Last evaluated 2025-01-19.

Conditions:
Cardiovascular phenotype. Identifiers: MedGen CN230736.
RASopathy. Also called: rasopathies; Noonan spectrum disorder. Identifiers: Orphanet 536391, MedGen C5555857, MONDO:0021060.

Allele frequency attached by ClinVar (database versions not stated): gnomAD exomes below 0.00001; TOPMed below 0.00001; ExAC 0.00001.
gnomAD v4.1: 2 of 1,614,098 alleles (0.00012%); highest among the groups gnomAD compares: South Asian, 0.0011%; no homozygotes.

Submissions (2):

Ambry Genetics
Classification: Uncertain significance for Cardiovascular phenotype. Last evaluated: 2025-01-19. Review status: criteria provided, single submitter. Criteria: Ambry Variant Classification Scheme 2023. Collection method: clinical testing. Allele origin: germline.
Comment: The p.K529E variant (also known as c.1585A>G), located in coding exon 11 of the CBL gene, results from an A to G substitution at nucleotide position 1585. The lysine at codon 529 is replaced by glutamic acid, an amino acid with similar properties. This amino acid position is conserved. In addition, this alteration is predicted to be deleterious by in silico analysis. Based on the available evidence, the clinical significance of this variant remains unclear.

Labcorp Genetics (formerly Invitae), Labcorp
Classification: Uncertain significance for RASopathy. Last evaluated: 2024-03-07. Review status: criteria provided, single submitter. Criteria: Invitae Variant Classification Sherloc (09022015). Collection method: clinical testing. Allele origin: germline.
Comment: This sequence change replaces lysine, which is basic and polar, with glutamic acid, which is acidic and polar, at codon 529 of the CBL protein (p.Lys529Glu). This variant is present in population databases (rs749858627, gnomAD 0.003%). This variant has not been reported in the literature in individuals affected with CBL-related conditions. ClinVar contains an entry for this variant (Variation ID: 1947212). Advanced modeling of protein sequence and biophysical properties (such as structural, functional, and spatial information, amino acid conservation, physicochemical variation, residue mobility, and thermodynamic stability) performed at Invitae indicates that this missense variant is not expected to disrupt CBL protein function with a negative predictive value of 95%. In summary, the available evidence is currently insufficient to determine the role of this variant in disease. Therefore, it has been classified as a Variant of Uncertain Significance.

NM_005188.4(CBL):c.1585A>G (p.Lys529Glu)

Gene: CBL (Cbl proto-oncogene; plus strand). Cytogenetic location: 11q23.3.
Variant type: single nucleotide variant.
Coding change: c.1585A>G on transcript NM_005188.4 (MANE Select); coding-DNA position 1585, A replaced by G.
Protein change: p.Lys529Glu; replaces lysine 529 with glutamic acid.
Molecular consequence: missense variant.
Genome position (GRCh38, 1-based): chr11:119,285,210, A>G. VCF-style: chr11-119285210-A-G. GRCh37 (hg19) VCF-style: chr11-119155920-A-G.
Other names: c.1585A>G (NM_005188.2); short protein forms K529E.
Identifiers: ClinVar variation 1947212 (VCV001947212.6), dbSNP rs749858627, ClinGen allele CA6318567.